The following is an entry in ClinVar:

NM_032242.4(PLXNA1):c.5262C>T (p.Ile1754=)

Gene: PLXNA1 (plexin A1; plus strand). Cytogenetic location: 3q21.3.
Variant type: single nucleotide variant.
Coding change: c.5262C>T on transcript NM_032242.4 (MANE Select); coding-DNA position 5262, C replaced by T.
Protein change: p.Ile1754=; no amino-acid change (isoleucine 1754 retained).
Molecular consequence: synonymous variant.
Genome position (GRCh38, 1-based): chr3:127,032,417, C>T. VCF-style: chr3-127032417-C-T. GRCh37 (hg19) VCF-style: chr3-126751260-C-T.
Identifiers: ClinVar variation 3353685 (VCV003353685.1).

ClinVar aggregate classification (germline): Uncertain significance (0 of 4 stars; one submission).

Conditions:
PLXNA1-related disorder. Also called: PLXNA1-related condition.

Submission:

PreventionGenetics, part of Exact Sciences
Classification: Uncertain significance for PLXNA1-related condition. Last evaluated: 2024-09-21. Review status: no assertion criteria provided. Collection method: clinical testing. Allele origin: germline.
Comment: The PLXNA1 c.5262C>T variant is not predicted to result in an amino acid change (p.=). This variant is predicted to impact splicing based on splicing prediction programs (SpliceAI, Jaganathan et al. 2019. PubMed ID: 30661751). To our knowledge, this variant has not been reported in the literature. This variant is reported in 0.012% of alleles in individuals of African descent in gnomAD. At this time, the clinical significance of this variant is uncertain due to the absence of conclusive functional and genetic evidence.